The following is an entry in ClinVar:

ClinVar aggregate classification (germline): Uncertain significance. Review status: criteria provided, multiple submitters, no conflicts (2 of 4 stars). 3 submissions from 3 submitters: Uncertain significance (3). Last evaluated 2025-10-10.

Conditions:
Hereditary cancer-predisposing syndrome. Also called: Hereditary neoplastic syndrome; Hereditary Cancer Syndrome; Neoplastic Syndromes, Hereditary; Tumor predisposition. Identifiers: Orphanet 140162, MedGen C0027672, MeSH D009386, MONDO:0015356.
Hereditary nonpolyposis colorectal neoplasms. Identifiers: MedGen C0009405, MeSH D003123.

Submissions (3):

Ambry Genetics
Classification: Uncertain significance for Hereditary cancer-predisposing syndrome. Last evaluated: 2025-10-10. Review status: criteria provided, single submitter. Criteria: Ambry Variant Classification Scheme 2023. Collection method: clinical testing. Allele origin: germline.
Comment: The p.I981M variant (also known as c.2943T>G), located in coding exon 4 of the MSH6 gene, results from a T to G substitution at nucleotide position 2943. The isoleucine at codon 981 is replaced by methionine, an amino acid with highly similar properties. This amino acid position is not well conserved in available vertebrate species. In addition, the in silico prediction for this alteration is inconclusive. Based on the available evidence, the clinical significance of this variant remains unclear.

Labcorp Genetics (formerly Invitae), Labcorp
Classification: Uncertain significance for Hereditary nonpolyposis colorectal neoplasms. Last evaluated: 2024-12-24. Review status: criteria provided, single submitter. Criteria: Invitae Variant Classification Sherloc (09022015). Collection method: clinical testing. Allele origin: germline.
Comment: This sequence change replaces isoleucine, which is neutral and non-polar, with methionine, which is neutral and non-polar, at codon 981 of the MSH6 protein (p.Ile981Met). This variant is not present in population databases (gnomAD no frequency). This missense change has been observed in individual(s) with breast cancer (PMID: 35449176). ClinVar contains an entry for this variant (Variation ID: 234701). Invitae Evidence Modeling of protein sequence and biophysical properties (such as structural, functional, and spatial information, amino acid conservation, physicochemical variation, residue mobility, and thermodynamic stability) indicates that this missense variant is not expected to disrupt MSH6 protein function with a negative predictive value of 95%. In summary, the available evidence is currently insufficient to determine the role of this variant in disease. Therefore, it has been classified as a Variant of Uncertain Significance.

GeneDx
Classification: Uncertain significance. Last evaluated: 2015-12-17. Review status: criteria provided, single submitter. Criteria: GeneDx Variant Classification (06012015). Collection method: clinical testing. Allele origin: germline. Affected: yes.
Comment: This variant is denoted MSH6 c.2943T>G at the cDNA level, p.Ile981Met (I981M) at the protein level, and results in the change of an Isoleucine to a Methionine (ATT>ATG). This variant has not, to our knowledge, been published in the literature as pathogenic or benign. MSH6 Ile981Met was not observed in approximately 6,500 individuals of European and African American ancestry in the NHLBI Exome Sequencing Project, suggesting it is not a common benign variant in these populations. Since Isoleucine and Methionine share similar properties, this is considered a conservative amino acid substitution. MSH6 Ile981Met occurs at a position where amino acids with properties similar to Isoleucine are tolerated across species and is located in domain IV in the MutS domain (Terui 2013). In silico analyses are inconsistent regarding the effect this variant may have on protein structure and function. Based on currently available evidence, it is unclear whether MSH6 Ile981Met is a pathogenic or benign variant. We consider it to be a variant of uncertain significance.

Literature cited by the submitters: PubMed 35449176 (cited by Labcorp Genetics (formerly Invitae), Labcorp).

NM_000179.3(MSH6):c.2943T>G (p.Ile981Met)

Gene: MSH6 (mutS homolog 6; plus strand). Cytogenetic location: 2p16.3.
Variant type: single nucleotide variant.
Coding change: c.2943T>G on transcript NM_000179.3 (MANE Select); coding-DNA position 2943, T replaced by G.
Protein change: p.Ile981Met; replaces isoleucine 981 with methionine.
Molecular consequence: missense variant.
Genome position (GRCh38, 1-based): chr2:47,800,926, T>G. VCF-style: chr2-47800926-T-G. GRCh37 (hg19) VCF-style: chr2-48028065-T-G.
Other names: c.2553T>G, p.Ile851Met (NM_001281492.2); c.2037T>G, p.Ile679Met (NM_001281493.2, NM_001281494.2); short protein forms I981M, I679M, I851M.
Identifiers: ClinVar variation 234701 (VCV000234701.5), dbSNP rs876661170, ClinGen allele CA10577282.